The following is an entry in ClinVar:

NM_000419.5(ITGA2B):c.435C>A (p.Asn145Lys)

Gene: ITGA2B (integrin subunit alpha 2b; minus strand). Cytogenetic location: 17q21.31.
Variant type: single nucleotide variant.
Coding change: c.435C>A on transcript NM_000419.5 (MANE Select); coding-DNA position 435, C replaced by A.
Protein change: p.Asn145Lys; replaces asparagine 145 with lysine.
Molecular consequence: missense variant.
Genome position (GRCh38, 1-based): chr17:44,385,690, G>T on the plus strand (C>A on the coding strand, the complement: ITGA2B is on the minus strand). VCF-style: chr17-44385690-G-T. GRCh37 (hg19) VCF-style: chr17-42463058-G-T.
Other names: short protein forms N145K.
Identifiers: ClinVar variation 996207 (VCV000996207.3), dbSNP rs1433566887, ClinGen allele CA399805991.

ClinVar aggregate classification (germline): Uncertain significance (3 of 4 stars; one submission).

Conditions:
Glanzmann thrombasthenia. Also called: Glanzmann's thrombasthenia; PLATELET GLYCOPROTEIN IIb-IIIa DEFICIENCY; BLEEDING DISORDER, PLATELET-TYPE, 2; THROMBASTHENIA OF GLANZMANN AND NAEGELI; Thrombasthenia. Identifiers: Orphanet 849, MedGen C0040015, MONDO:0100326.

Submission:

ClinGen Platelet Disorders Variant Curation Expert Panel, ClinGen
Classification: Uncertain significance for Glanzmann thrombasthenia. Last evaluated: 2023-11-02. Review status: reviewed by expert panel. Criteria: ClinGen Platelet ACMG Specifications v2-1. Collection method: curation. Allele origin: germline. Inheritance: Autosomal recessive inheritance.
Comment: The ITGA2B missense variant NM_000419.5:c.435C>A replaces the asparagine residue with a lysine residue (p.Asn145Lys). This variant has been observed in a proband (PMID 26096001) with a phenotype specific for Glanzmann's thrombasthenia (PP4_Moderate) who also harbors a second ITGA2B variant (c.531T>A, p.Cys177Ter) previously classified by the VCEP as pathogenic (phase unconfirmed; PM3_supporting). This variant is extremely rare in population databases, having been observed in 1/34534 alleles in the Latino population in gnomAD v2.1.1 (PM2_supporting). In summary, this variant is of uncertain significance and lacks sufficient evidence to be classified as pathogenic or benign for Glanzmann thrombasthenia. GT-specific criteria applied: PM2_supporting, PM3_supporting, PP4_moderate.